The following is an entry in ClinVar:

ClinVar aggregate classification (germline): Uncertain significance (1 of 4 stars; one submission).

Allele frequency attached by ClinVar (database versions not stated): TOPMed below 0.00001; gnomAD exomes 0.00001; gnomAD 0.00002.

Submission:

GeneDx
Classification: Uncertain significance. Last evaluated: 2023-06-20. Review status: criteria provided, single submitter. Criteria: GeneDx Variant Classification Process June 2021. Collection method: clinical testing. Allele origin: germline. Affected: yes.
Comment: In silico analysis supports that this missense variant has a deleterious effect on protein structure/function; This variant is associated with the following publications: (PMID: 27389245, 22102435)

NM_152722.5(HEPACAM):c.293G>A (p.Arg98His)

Gene: HEPACAM (hepatic and glial cell adhesion molecule; minus strand). Cytogenetic location: 11q24.2.
Variant type: single nucleotide variant.
Coding change: c.293G>A on transcript NM_152722.5 (MANE Select); coding-DNA position 293, G replaced by A.
Protein change: p.Arg98His; replaces arginine 98 with histidine.
Molecular consequence: missense variant.
Genome position (GRCh38, 1-based): chr11:124,924,862, C>T on the plus strand (G>A on the coding strand, the complement: HEPACAM is on the minus strand). VCF-style: chr11-124924862-C-T. GRCh37 (hg19) VCF-style: chr11-124794758-C-T.
Other names: c.293G>A, p.Arg98His (NM_001411043.1); short protein forms R98H.
Identifiers: ClinVar variation 2506871 (VCV002506871.1), dbSNP rs1324733953, ClinGen allele CA383143338.